The following is an entry in ClinVar:

ClinVar aggregate classification (germline): Uncertain significance (1 of 4 stars; one submission).

Allele frequency attached by ClinVar (database versions not stated): gnomAD exomes below 0.00001; gnomAD 0.00001.
gnomAD v4.1: 6 of 1,613,038 alleles (0.00037%); highest among the groups gnomAD compares: East Asian, 0.0045%; no homozygotes.

Submission:

Ambry Genetics
Classification: Uncertain significance. Last evaluated: 2025-08-03. Review status: criteria provided, single submitter. Criteria: Ambry Variant Classification Scheme 2023. Collection method: clinical testing. Allele origin: germline.
Comment: The p.I395V variant (also known as c.1183A>G), located in coding exon 12 of the RASA2 gene, results from an A to G substitution at nucleotide position 1183. The isoleucine at codon 395 is replaced by valine, an amino acid with highly similar properties. This amino acid position is conserved. In addition, this alteration is predicted to be tolerated by in silico analysis. Based on the available evidence, the clinical significance of this variant remains unclear.

NM_006506.5(RASA2):c.1183A>G (p.Ile395Val)

Gene: RASA2 (RAS p21 protein activator 2; plus strand). Cytogenetic location: 3q23.
Variant type: single nucleotide variant.
Coding change: c.1183A>G on transcript NM_006506.5 (MANE Select); coding-DNA position 1183, A replaced by G.
Protein change: p.Ile395Val; replaces isoleucine 395 with valine.
Molecular consequence: missense variant.
Genome position (GRCh38, 1-based): chr3:141,572,622, A>G. VCF-style: chr3-141572622-A-G. GRCh37 (hg19) VCF-style: chr3-141291464-A-G.
Other names: c.1183A>G, p.Ile395Val (NM_001303245.3, NM_001303246.3); short protein forms I395V.
Identifiers: ClinVar variation 3151692 (VCV003151692.2), dbSNP rs2082942298, ClinGen allele CA354777342.
Genomic context (GRCh38, chr3:141,572,622, plus strand): 5'-TCAAAACCTTTGTTTACTACATTTGGTTTCATCTATTTCTATTTCAGAGATGCAAACACA[A>G]TTTTTAGAGGAAATTCCCTGGCTACCCGATGTCTGGATGAGATGATGAAAATAGTGGGAG-3'
Protein context (NP_006497.2, residues 385-405): DLKDTQDANT[Ile395Val]FRGNSLATRC